The following is an entry in ClinVar:

NM_003265.3(TLR3):c.1577T>C (p.Leu526Ser)

Gene: TLR3 (toll like receptor 3; plus strand). Cytogenetic location: 4q35.1.
Variant type: single nucleotide variant.
Coding change: c.1577T>C on transcript NM_003265.3 (MANE Select); coding-DNA position 1577, T replaced by C.
Protein change: p.Leu526Ser; replaces leucine 526 with serine.
Molecular consequence: missense variant.
Genome position (GRCh38, 1-based): chr4:186,083,263, T>C. VCF-style: chr4-186083263-T-C. GRCh37 (hg19) VCF-style: chr4-187004417-T-C.
Other names: short protein forms L526S.
Identifiers: ClinVar variation 4773341 (VCV004773341.1).

ClinVar aggregate classification (germline): Uncertain significance (1 of 4 stars; one submission).

Conditions:
Encephalopathy, acute, infection-induced (herpes-specific), susceptibility to, 1. Also called: Herpes simplex encephalitis, susceptibility to, 1. Identifiers: Orphanet 1930, MedGen C2750180, MONDO:0024563, OMIM 610551.

gnomAD v4.1: 1 of 1,614,074 alleles (0.000062%); highest among the groups gnomAD compares: Non-Finnish European, 0.000085%; no homozygotes.

Submission:

Labcorp Genetics (formerly Invitae), Labcorp
Classification: Uncertain significance for Encephalopathy, acute, infection-induced (herpes-specific), susceptibility to, 1. Last evaluated: 2026-01-11. Review status: criteria provided, single submitter. Criteria: Invitae Variant Classification Sherloc (09022015). Collection method: clinical testing. Allele origin: germline.
Comment: This sequence change replaces leucine, which is neutral and non-polar, with serine, which is neutral and polar, at codon 526 of the TLR3 protein (p.Leu526Ser). This variant is present in population databases (no rsID available, gnomAD 0.007%). This variant has not been reported in the literature in individuals affected with TLR3-related conditions. An algorithm developed to predict the effect of missense changes on protein structure and function (PolyPhen-2) suggests that this variant is likely to be disruptive. In summary, the available evidence is currently insufficient to determine the role of this variant in disease. Therefore, it has been classified as a Variant of Uncertain Significance.